The following is an entry in ClinVar:

NM_000090.4(COL3A1):c.3505A>C (p.Arg1169=)

Gene: COL3A1 (collagen type III alpha 1 chain; plus strand). Cytogenetic location: 2q32.2.
Variant type: single nucleotide variant.
Coding change: c.3505A>C on transcript NM_000090.4 (MANE Select); coding-DNA position 3505, A replaced by C.
Protein change: p.Arg1169=; no amino-acid change (arginine 1169 retained).
Molecular consequence: synonymous variant.
Genome position (GRCh38, 1-based): chr2:189,008,122, A>C. VCF-style: chr2-189008122-A-C. GRCh37 (hg19) VCF-style: chr2-189872848-A-C.
Identifiers: ClinVar variation 511732 (VCV000511732.12), dbSNP rs546664098, ClinGen allele CA076149.
Genomic context (GRCh38, chr2:189,008,122, plus strand): 5'-GGCAAAGATGGAACCAGTGGACATCCAGGTCCCATTGGACCACCAGGGCCTCGAGGTAAC[A>C]GAGGTGAAAGAGGATCTGAGGTAAGACATCACTTATACGTATGTGTATTTAATTTGCTAC-3'
Protein context (NP_000081.2, residues 1159-1179): PIGPPGPRGN[Arg1169=]GERGSEGSPG

ClinVar aggregate classification (germline): Conflicting classifications of pathogenicity. Review status: criteria provided, conflicting classifications (1 of 4 stars). 5 submissions from 5 submitters: Uncertain significance (1); Likely benign (4). Last evaluated 2022-10-18.

Conditions:
Ehlers-Danlos syndrome (EDS). Identifiers: Orphanet 98249, MedGen C0013720, MONDO:0020066.
Familial thoracic aortic aneurysm and aortic dissection (TAAD). Also called: Thoracic aortic aneurysms and dissections. Identifiers: Orphanet 91387, MedGen C4707243, MONDO:0019625.
Ehlers-Danlos syndrome, type 4 (EDSVASC). Also called: Ehlers-Danlos syndrome vascular type; Ehlers Danlos syndrome, ecchymotic type; Ehlers Danlos syndrome, arterial type; Ehlers Danlos syndrome, Sack-Barabas type; Ehlers-Danlos Syndrome Type IV. Identifiers: Orphanet 286, MedGen C0268338, MONDO:0017314, OMIM 130050.

Allele frequency attached by ClinVar (database versions not stated): gnomAD below 0.00001 and 0.00001; TOPMed below 0.00001; gnomAD exomes 0.00001; ExAC 0.00003; 1000 Genomes Project 30x 0.00016; 1000 Genomes Project 0.00020.
gnomAD v4.1: 11 of 1,613,220 alleles (0.00068%); highest among the groups gnomAD compares: Middle Eastern, 0.017%; no homozygotes.

Submissions (5):

Blueprint Genetics
Classification: Likely benign. Last evaluated: 2022-10-18. Review status: criteria provided, single submitter. Criteria: ACMG Guidelines, 2015. Collection method: clinical testing. Allele origin: germline.

Genome Diagnostics Laboratory, The Hospital for Sick Children
Classification: Uncertain significance for Ehlers-Danlos syndrome. Last evaluated: 2022-03-24. Review status: criteria provided, single submitter. Criteria: ACMG Guidelines, 2015. Collection method: clinical testing. Allele origin: germline.

Color Diagnostics, LLC DBA Color Health
Classification: Likely benign for Familial thoracic aortic aneurysm and aortic dissection. Last evaluated: 2020-03-02. Review status: criteria provided, single submitter. Criteria: ACMG Guidelines, 2015. Collection method: clinical testing. Allele origin: germline.

Labcorp Genetics (formerly Invitae), Labcorp
Classification: Likely benign for Ehlers-Danlos syndrome, type 4. Last evaluated: 2019-09-20. Review status: criteria provided, single submitter. Criteria: Invitae Variant Classification Sherloc (09022015). Collection method: clinical testing. Allele origin: germline.

GeneDx
Classification: Likely benign. Last evaluated: 2017-08-25. Review status: criteria provided, single submitter. Criteria: GeneDx Variant Classification (06012015). Collection method: clinical testing. Allele origin: germline. Affected: yes.
Comment: This variant is considered likely benign or benign based on one or more of the following criteria: it is a conservative change, it occurs at a poorly conserved position in the protein, it is predicted to be benign by multiple in silico algorithms, and/or has population frequency not consistent with disease.